The following is an entry in ClinVar:

ClinVar aggregate classification (germline): Uncertain significance. Review status: criteria provided, multiple submitters, no conflicts (2 of 4 stars). 2 submissions from 2 submitters: Uncertain significance (2). Last evaluated 2025-09-08.

Allele frequency attached by ClinVar (database versions not stated): ExAC 0.00008; gnomAD 0.00010; ESP Exome Variant Server 0.00031.
gnomAD v4.1: 100 of 1,614,050 alleles (0.0062%); highest among the groups gnomAD compares: Middle Eastern, 0.016%; no homozygotes.

Submissions (2):

Labcorp Genetics (formerly Invitae), Labcorp
Classification: Uncertain significance. Last evaluated: 2025-09-08. Review status: criteria provided, single submitter. Criteria: Invitae Variant Classification Sherloc (09022015). Collection method: clinical testing. Allele origin: germline.
Comment: This sequence change replaces leucine, which is neutral and non-polar, with isoleucine, which is neutral and non-polar, at codon 77 of the SLC36A2 protein (p.Leu77Ile). This variant is present in population databases (rs146301238, gnomAD 0.02%). This variant has not been reported in the literature in individuals affected with SLC36A2-related conditions. ClinVar contains an entry for this variant (Variation ID: 2225525). Invitae Evidence Modeling of protein sequence and biophysical properties (such as structural, functional, and spatial information, amino acid conservation, physicochemical variation, residue mobility, and thermodynamic stability) indicates that this missense variant is not expected to disrupt SLC36A2 protein function with a negative predictive value of 80%. In summary, the available evidence is currently insufficient to determine the role of this variant in disease. Therefore, it has been classified as a Variant of Uncertain Significance.

Ambry Genetics
Classification: Uncertain significance. Last evaluated: 2025-08-30. Review status: criteria provided, single submitter. Criteria: Ambry Variant Classification Scheme 2023. Collection method: clinical testing. Allele origin: germline.

NM_181776.3(SLC36A2):c.229C>A (p.Leu77Ile)

Gene: SLC36A2 (solute carrier family 36 member 2; minus strand). Cytogenetic location: 5q33.1.
Variant type: single nucleotide variant.
Coding change: c.229C>A on transcript NM_181776.3 (MANE Select); coding-DNA position 229, C replaced by A.
Protein change: p.Leu77Ile; replaces leucine 77 with isoleucine.
Molecular consequence: missense variant.
Genome position (GRCh38, 1-based): chr5:151,344,203, G>T on the plus strand (C>A on the coding strand, the complement: SLC36A2 is on the minus strand). VCF-style: chr5-151344203-G-T. GRCh37 (hg19) VCF-style: chr5-150723764-G-T.
Other names: short protein forms L77I.
Identifiers: ClinVar variation 2225525 (VCV002225525.4), dbSNP rs146301238, ClinGen allele CA3518989.
Genomic context (GRCh38, chr5:151,344,203, plus strand): 5'-ACCATAAAGCCCCCACATGTGGCGCCTCTCTTACCAGGATGCCCGCGTTCTTCACAGCGA[G>T]GGGTAGTCCCAGGATCCCTGTGCCCATGTTGCCTTTCACCAGGTGAATCAAGGCCTGGAA-3'
Protein context (NP_861441.2, residues 67-87): NMGTGILGLP[Leu77Ile]AVKNAGILMG